The following is an entry in ClinVar:

ClinVar aggregate classification (germline): Uncertain significance (1 of 4 stars; one submission).

Allele frequency attached by ClinVar (database versions not stated): gnomAD exomes below 0.00001 and 0.00001; TOPMed below 0.00001; gnomAD 0.00001.
gnomAD v4.1: 2 of 1,559,306 alleles (0.00013%); highest among the groups gnomAD compares: Admixed American, 0.0019%; no homozygotes.

Submission:

Labcorp Genetics (formerly Invitae), Labcorp
Classification: Uncertain significance. Last evaluated: 2022-03-03. Review status: criteria provided, single submitter. Criteria: Invitae Variant Classification Sherloc (09022015). Collection method: clinical testing. Allele origin: germline.
Comment: This sequence change replaces glutamic acid, which is acidic and polar, with lysine, which is basic and polar, at codon 761 of the COL18A1 protein (p.Glu761Lys). The frequency data for this variant in the population databases is considered unreliable, as metrics indicate poor data quality at this position in the gnomAD database. This variant has not been reported in the literature in individuals affected with COL18A1-related conditions. Experimental studies and prediction algorithms are not available or were not evaluated, and the functional significance of this variant is currently unknown. In summary, the available evidence is currently insufficient to determine the role of this variant in disease. Therefore, it has been classified as a Variant of Uncertain Significance.

NM_001379500.1(COL18A1):c.2281G>A (p.Glu761Lys)

Gene: COL18A1 (collagen type XVIII alpha 1 chain; plus strand). Cytogenetic location: 21q22.3.
Variant type: single nucleotide variant.
Coding change: c.2281G>A on transcript NM_001379500.1 (MANE Select); coding-DNA position 2281, G replaced by A.
Protein change: p.Glu761Lys; replaces glutamic acid 761 with lysine.
Molecular consequence: missense variant.
Genome position (GRCh38, 1-based): chr21:45,493,504, G>A. VCF-style: chr21-45493504-G-A. GRCh37 (hg19) VCF-style: chr21-46913418-G-A.
Other names: c.2821G>A, p.Glu941Lys (NM_030582.4); c.3526G>A, p.Glu1176Lys (NM_130444.3); short protein forms E941K, E1176K, E761K.
Identifiers: ClinVar variation 1433535 (VCV001433535.3), dbSNP rs1432696137, ClinGen allele CA410497384.